The following is an entry in ClinVar:

NM_013386.5(SLC25A24):c.995A>G (p.Lys332Arg)

Gene: SLC25A24 (solute carrier family 25 member 24; minus strand). Cytogenetic location: 1p13.3.
Variant type: single nucleotide variant.
Coding change: c.995A>G on transcript NM_013386.5 (MANE Select); coding-DNA position 995, A replaced by G.
Protein change: p.Lys332Arg; replaces lysine 332 with arginine.
Molecular consequence: missense variant.
Genome position (GRCh38, 1-based): chr1:108,143,646, T>C on the plus strand (A>G on the coding strand, the complement: SLC25A24 is on the minus strand). VCF-style: chr1-108143646-T-C. GRCh37 (hg19) VCF-style: chr1-108686268-T-C.
Other names: c.938A>G, p.Lys313Arg (NM_213651.3); short protein forms K332R, K313R.
Identifiers: ClinVar variation 3698401 (VCV003698401.2).
Genomic context (GRCh38, chr1:108,143,646, plus strand): 5'-AATAAATTGGGAACATAGCCTTTGTAAAAAGCTCCCAAGCCTTCATGTTTCAAAATCTTC[T>C]TGGCACAATCATATATTCCAGAGTACTGCCCAGTTTTGCCTACAGCCAGCCTGGTTTTCA-3'
Protein context (NP_037518.3, residues 322-342): GQYSGIYDCA[Lys332Arg]KILKHEGLGA

ClinVar aggregate classification (germline): Uncertain significance (1 of 4 stars; one submission).

gnomAD v4.1: 1 of 1,613,794 alleles (0.000062%); highest among the groups gnomAD compares: Admixed American, 0.0017%; no homozygotes.

Submission:

Labcorp Genetics (formerly Invitae), Labcorp
Classification: Uncertain significance. Last evaluated: 2024-11-21. Review status: criteria provided, single submitter. Criteria: Invitae Variant Classification Sherloc (09022015). Collection method: clinical testing. Allele origin: germline.
Comment: This sequence change replaces lysine, which is basic and polar, with arginine, which is basic and polar, at codon 332 of the SLC25A24 protein (p.Lys332Arg). This variant is not present in population databases (gnomAD no frequency). This variant has not been reported in the literature in individuals affected with SLC25A24-related conditions. Invitae Evidence Modeling of protein sequence and biophysical properties (such as structural, functional, and spatial information, amino acid conservation, physicochemical variation, residue mobility, and thermodynamic stability) indicates that this missense variant is not expected to disrupt SLC25A24 protein function with a negative predictive value of 80%. In summary, the available evidence is currently insufficient to determine the role of this variant in disease. Therefore, it has been classified as a Variant of Uncertain Significance.